The following is an entry in ClinVar:

ClinVar aggregate classification (germline): Likely benign. Review status: criteria provided, single submitter (1 of 4 stars). 2 submissions from 2 submitters: Likely benign (1). 1 of the submissions does not count toward it. Last evaluated 2025-12-23.

Conditions:
ITGA7-related disorder. Also called: ITGA7-related condition.
Congenital muscular dystrophy due to integrin alpha-7 deficiency. Also called: MYOPATHY, CONGENITAL, DUE TO INTEGRIN ALPHA-7 DEFICIENCY; Congenital muscular dystrophy with integrin alpha-7 deficiency; Muscular dystrophy, congenital, due to ITGA7 deficiency. Identifiers: Orphanet 34520, MedGen C2750786, MONDO:0013177, OMIM 613204.

Allele frequency attached by ClinVar (database versions not stated): gnomAD exomes 0.00011 and 0.00035; 1000 Genomes Project 30x 0.00016; 1000 Genomes Project 0.00020; TOPMed 0.00022; gnomAD 0.00031 and 0.00036; ESP Exome Variant Server 0.00038; ExAC 0.00039.
gnomAD v4.1: 216 of 1,613,954 alleles (0.013%); highest among the groups gnomAD compares: African/African-American, 0.059%; no homozygotes.

Submissions (2):

Labcorp Genetics (formerly Invitae), Labcorp
Classification: Likely benign for Congenital muscular dystrophy due to integrin alpha-7 deficiency. Last evaluated: 2025-12-23. Review status: criteria provided, single submitter. Criteria: Invitae Variant Classification Sherloc (09022015). Collection method: clinical testing. Allele origin: germline.

PreventionGenetics, part of Exact Sciences
Classification: Likely benign for ITGA7-related condition. Last evaluated: 2024-06-28. Review status: no assertion criteria provided. Collection method: clinical testing. Allele origin: germline. Not counted in ClinVar's aggregate classification.
Comment: This variant is classified as likely benign based on ACMG/AMP sequence variant interpretation guidelines (Richards et al. 2015 PMID: 25741868, with internal and published modifications).

NM_002206.3(ITGA7):c.2713-8G>A

Gene: ITGA7 (integrin subunit alpha 7; minus strand). Cytogenetic location: 12q13.2.
Variant type: single nucleotide variant.
Coding change: c.2713-8G>A on transcript NM_002206.3 (MANE Select); 8 bases into the intron before coding-DNA position 2713, G replaced by A.
Molecular consequence: intron variant.
Genome position (GRCh38, 1-based): chr12:55,692,983, C>T on the plus strand (G>A on the coding strand, the complement: ITGA7 is on the minus strand). VCF-style: chr12-55692983-C-T. GRCh37 (hg19) VCF-style: chr12-56086767-C-T.
Other names: c.2434-8G>A (NM_001144997.2); c.2386-8G>A (NM_001367993.1); c.2374-8G>A (NM_001414035.1); c.2530-8G>A (NM_001414033.1); c.1369-8G>A (NM_001367994.1); c.2593-8G>A (NM_001414032.1); c.2626-8G>A (NM_001414031.1); c.2695-8G>A (NM_001374465.1); and 5 more.
Identifiers: ClinVar variation 706286 (VCV000706286.12), dbSNP rs372485093, ClinGen allele CA6615482.